The following is an entry in ClinVar:

NM_000135.4(FANCA):c.2629T>A (p.Ser877Thr)

Genes: FANCA (FA complementation group A; minus strand), LOC130059837 (ATAC-STARR-seq lymphoblastoid active region 11420; plus strand). Cytogenetic location: 16q24.3.
Variant type: single nucleotide variant.
Coding change: c.2629T>A on transcript NM_000135.4 (MANE Select); coding-DNA position 2629, T replaced by A.
Protein change: p.Ser877Thr; replaces serine 877 with threonine.
Molecular consequence: missense variant.
Genome position (GRCh38, 1-based): chr16:89,765,039, A>T on the plus strand (T>A on the coding strand, the complement: FANCA is on the minus strand). VCF-style: chr16-89765039-A-T. GRCh37 (hg19) VCF-style: chr16-89831447-A-T.
Other names: c.2629T>A, p.Ser877Thr (NM_001286167.3); short protein forms S877T.
Identifiers: ClinVar variation 1969808 (VCV001969808.5), dbSNP rs1322274178, ClinGen allele CA397438870.

ClinVar aggregate classification (germline): Uncertain significance (1 of 4 stars; one submission).

Conditions:
Fanconi anemia (FA). Also called: Fanconi's anemia. Identifiers: Orphanet 84, MedGen C0015625, MeSH D005199, MONDO:0019391.

Submission:

Labcorp Genetics (formerly Invitae), Labcorp
Classification: Uncertain significance for Fanconi anemia. Last evaluated: 2022-10-03. Review status: criteria provided, single submitter. Criteria: Invitae Variant Classification Sherloc (09022015). Collection method: clinical testing. Allele origin: germline.
Comment: In summary, the available evidence is currently insufficient to determine the role of this variant in disease. Therefore, it has been classified as a Variant of Uncertain Significance. Advanced modeling of protein sequence and biophysical properties (such as structural, functional, and spatial information, amino acid conservation, physicochemical variation, residue mobility, and thermodynamic stability) performed at Invitae indicates that this missense variant is expected to disrupt FANCA protein function. This variant has not been reported in the literature in individuals affected with FANCA-related conditions. This variant is not present in population databases (gnomAD no frequency). This sequence change replaces serine, which is neutral and polar, with threonine, which is neutral and polar, at codon 877 of the FANCA protein (p.Ser877Thr).